The following is an entry in ClinVar:

NM_001017974.2(P4HA2):c.782C>A (p.Thr261Lys)

Gene: P4HA2 (prolyl 4-hydroxylase subunit alpha 2; minus strand). Cytogenetic location: 5q31.1.
Variant type: single nucleotide variant.
Coding change: c.782C>A on transcript NM_001017974.2 (MANE Select); coding-DNA position 782, C replaced by A.
Protein change: p.Thr261Lys; replaces threonine 261 with lysine.
Molecular consequence: missense variant.
Genome position (GRCh38, 1-based): chr5:132,209,259, G>T on the plus strand (C>A on the coding strand, the complement: P4HA2 is on the minus strand). VCF-style: chr5-132209259-G-T. GRCh37 (hg19) VCF-style: chr5-131544952-G-T.
Other names: c.782C>A, p.Thr261Lys (NM_001017973.1, NM_001142598.2, NM_001142599.2 and 6 more transcripts); short protein forms T261K.
Identifiers: ClinVar variation 2434538 (VCV002434538.5), dbSNP rs146303839, ClinGen allele CA3402623.

ClinVar aggregate classification (germline): Uncertain significance. Review status: criteria provided, multiple submitters, no conflicts (2 of 4 stars). 3 submissions from 3 submitters: Uncertain significance (3). Last evaluated 2026-05-13.

Conditions:
Myopia 25, autosomal dominant (MYP25). Identifiers: MedGen C4310655, MONDO:0014982, OMIM 617238.
P4HA2-related disorder. Also called: P4HA2-related condition.

Allele frequency attached by ClinVar (database versions not stated): gnomAD 0.00001; TOPMed 0.00001; ESP Exome Variant Server 0.00015.
gnomAD v4.1: 70 of 1,613,872 alleles (0.0043%); highest among the groups gnomAD compares: Non-Finnish European, 0.0058%; no homozygotes.

Submissions (3):

PreventionGenetics, part of Exact Sciences
Classification: Uncertain significance for P4HA2-related condition. Last evaluated: 2026-05-13. Review status: criteria provided, single submitter. Criteria: ACMG Guidelines, 2015. Collection method: clinical testing. Allele origin: germline.
Comment: The P4HA2 c.782C>A variant is predicted to result in the amino acid substitution p.Thr261Lys. To our knowledge, this variant has not been reported in the literature. This variant is reported in 0.0088% of alleles in individuals of European (Non-Finnish) descent in gnomAD. At this time, the clinical significance of this variant is uncertain due to the absence of conclusive functional and genetic evidence.

Ambry Genetics
Classification: Uncertain significance. Last evaluated: 2025-09-10. Review status: criteria provided, single submitter. Criteria: Ambry Variant Classification Scheme 2023. Collection method: clinical testing. Allele origin: germline.

Revvity Omics, Revvity
Classification: Uncertain significance for Myopia 25, autosomal dominant. Last evaluated: 2020-03-24. Review status: criteria provided, single submitter. Criteria: ACMG Guidelines, 2015. Collection method: clinical testing. Allele origin: germline.